The following is an entry in ClinVar:

ClinVar aggregate classification (germline): Benign. Review status: criteria provided, multiple submitters, no conflicts (2 of 4 stars). 10 submissions from 10 submitters: Benign (9). 1 of the submissions does not count toward it. Last evaluated 2026-02-04.

Conditions:
Ehlers-Danlos syndrome (EDS). Identifiers: Orphanet 98249, MedGen C0013720, MONDO:0020066.
Familial thoracic aortic aneurysm and aortic dissection (TAAD). Also called: Thoracic aortic aneurysms and dissections. Identifiers: Orphanet 91387, MedGen C4707243, MONDO:0019625.
Congenital contractural arachnodactyly (CCA). Also called: BEALS SYNDROME; Beals-Hecht syndrome; Arthrogryposis, distal, type 9. Identifiers: Orphanet 115, MedGen C0220668, MONDO:0007363, OMIM 121050.

Allele frequency attached by ClinVar (database versions not stated): gnomAD exomes 0.00065 and 0.00152; ExAC 0.00189; gnomAD 0.00584 and 0.00635; 1000 Genomes Project 0.00599; ESP Exome Variant Server 0.00638; 1000 Genomes Project 30x 0.00640; TOPMed 0.00694.
gnomAD v4.1: 1,891 of 1,614,106 alleles (0.12%); highest among the groups gnomAD compares: African/African-American, 2%; 17 homozygotes.

Submissions (10):

Labcorp Genetics (formerly Invitae), Labcorp
Classification: Benign for Congenital contractural arachnodactyly. Last evaluated: 2026-02-04. Review status: criteria provided, single submitter. Criteria: Invitae Variant Classification Sherloc (09022015). Collection method: clinical testing. Allele origin: germline.

ARUP Laboratories, Molecular Genetics and Genomics, ARUP Laboratories
Classification: Benign. Last evaluated: 2025-06-25. Review status: criteria provided, single submitter. Criteria: ARUP Molecular Germline Variant Investigation Process 2024. Collection method: clinical testing. Allele origin: germline.

Women's Health and Genetics/Laboratory Corporation of America, LabCorp
Classification: Benign. Last evaluated: 2023-07-21. Review status: criteria provided, single submitter. Criteria: LabCorp Variant Classification Summary - May 2015. Collection method: clinical testing. Allele origin: germline.

Genome Diagnostics Laboratory, The Hospital for Sick Children
Classification: Benign for Ehlers-Danlos syndrome. Last evaluated: 2019-06-01. Review status: criteria provided, single submitter. Criteria: ACMG Guidelines, 2015. Collection method: clinical testing. Allele origin: germline.

Mayo Clinic Laboratories, Mayo Clinic
Classification: Benign. Last evaluated: 2019-04-03. Review status: criteria provided, single submitter. Criteria: ACMG Guidelines, 2015. Collection method: clinical testing. Allele origin: germline. Observed: 7 variant alleles.

Illumina Laboratory Services, Illumina
Classification: Benign for Congenital contractural arachnodactyly. Last evaluated: 2018-01-13. Review status: criteria provided, single submitter. Criteria: ICSL Variant Classification Criteria 13 December 2019. Collection method: clinical testing. Allele origin: germline.
Comment: This variant was observed in the ICSL laboratory as part of a predisposition screen in an ostensibly healthy population. It had not been previously curated by ICSL or reported in the Human Gene Mutation Database (HGMD: prior to June 1st, 2018), and was therefore a candidate for classification through an automated scoring system. Utilizing variant allele frequency, disease prevalence and penetrance estimates, and inheritance mode, an automated score was calculated to assess if this variant is too frequent to cause the disease. Based on the score and internal cut-off values, a variant classified as benign is not then subjected to further curation. The score for this variant resulted in a classification of benign for this disease.

Ambry Genetics
Classification: Benign for Familial thoracic aortic aneurysm and aortic dissection. Last evaluated: 2015-03-02. Review status: criteria provided, single submitter. Criteria: Ambry Variant Classification Scheme 2023. Collection method: clinical testing. Allele origin: germline.

GeneDx
Classification: Benign. Last evaluated: 2014-01-11. Review status: criteria provided, single submitter. Criteria: GeneDx Variant Classification (06012015). Collection method: clinical testing. Allele origin: germline. Affected: yes.
Comment: This variant is considered likely benign or benign based on one or more of the following criteria: it is a conservative change, it occurs at a poorly conserved position in the protein, it is predicted to be benign by multiple in silico algorithms, and/or has population frequency not consistent with disease.

PreventionGenetics, part of Exact Sciences
Classification: Benign. Review status: criteria provided, single submitter. Criteria: ACMG Guidelines, 2015. Collection method: clinical testing. Allele origin: germline.

Genetic Services Laboratory, University of Chicago
Classification: Likely benign for AllHighlyPenetrant. Review status: no assertion criteria provided. Collection method: clinical testing. Allele origin: germline. Inheritance: Autosomal dominant inheritance. Not counted in ClinVar's aggregate classification.
Comment: Likely benign based on allele frequency in 1000 Genomes Project or ESP global frequency and its presence in a patient with a rare or unrelated disease phenotype. NOT Sanger confirmed.

NM_001999.4(FBN2):c.8154C>T (p.Leu2718=)

Gene: FBN2 (fibrillin 2; minus strand). Cytogenetic location: 5q23.3.
Variant type: single nucleotide variant.
Coding change: c.8154C>T on transcript NM_001999.4 (MANE Select); coding-DNA position 8154, C replaced by T.
Protein change: p.Leu2718=; no amino-acid change (leucine 2718 retained).
Molecular consequence: synonymous variant.
Genome position (GRCh38, 1-based): chr5:128,263,463, G>A on the plus strand (C>T on the coding strand, the complement: FBN2 is on the minus strand). VCF-style: chr5-128263463-G-A. GRCh37 (hg19) VCF-style: chr5-127599155-G-A.
Other names: p.L2718L:CTC>CTT; p.Leu2718=.
Identifiers: ClinVar variation 129052 (VCV000129052.36), dbSNP rs34119447, ClinGen allele CA288841.